The following is an entry in ClinVar:

ClinVar aggregate classification (germline): Uncertain significance (1 of 4 stars; one submission).

Conditions:
Hypertrophic cardiomyopathy 14. Identifiers: MedGen C2750467, MONDO:0013197, OMIM 613251.

Allele frequency attached by ClinVar (database versions not stated): gnomAD 0.00001; gnomAD exomes 0.00001; TOPMed 0.00001.
gnomAD v4.1: 5 of 1,614,114 alleles (0.00031%); highest among the groups gnomAD compares: Non-Finnish European, 0.00042%; no homozygotes.

Submission:

Labcorp Genetics (formerly Invitae), Labcorp
Classification: Uncertain significance for Hypertrophic cardiomyopathy 14. Last evaluated: 2023-05-05. Review status: criteria provided, single submitter. Criteria: Invitae Variant Classification Sherloc (09022015). Collection method: clinical testing. Allele origin: germline.
Comment: In summary, the available evidence is currently insufficient to determine the role of this variant in disease. Therefore, it has been classified as a Variant of Uncertain Significance. Advanced modeling of protein sequence and biophysical properties (such as structural, functional, and spatial information, amino acid conservation, physicochemical variation, residue mobility, and thermodynamic stability) performed at Invitae indicates that this missense variant is not expected to disrupt MYH6 protein function. This variant has not been reported in the literature in individuals affected with MYH6-related conditions. This variant is not present in population databases (gnomAD no frequency). This sequence change replaces methionine, which is neutral and non-polar, with valine, which is neutral and non-polar, at codon 934 of the MYH6 protein (p.Met934Val).

NM_002471.4(MYH6):c.2800A>G (p.Met934Val)

Gene: MYH6 (myosin heavy chain 6; minus strand). Cytogenetic location: 14q11.2.
Variant type: single nucleotide variant.
Coding change: c.2800A>G on transcript NM_002471.4 (MANE Select); coding-DNA position 2800, A replaced by G.
Protein change: p.Met934Val; replaces methionine 934 with valine.
Molecular consequence: missense variant.
Genome position (GRCh38, 1-based): chr14:23,393,794, T>C on the plus strand (A>G on the coding strand, the complement: MYH6 is on the minus strand). VCF-style: chr14-23393794-T-C. GRCh37 (hg19) VCF-style: chr14-23863003-T-C.
Other names: short protein forms M934V.
Identifiers: ClinVar variation 2900324 (VCV002900324.3), dbSNP rs1458111554, ClinGen allele CA389012575.